The following is an entry in ClinVar:

NM_000528.4(MAN2B1):c.1795del (p.Arg599fs)

Gene: MAN2B1 (mannosidase alpha class 2B member 1; minus strand). Cytogenetic location: 19p13.13.
Variant type: Deletion.
Coding change: c.1795del on transcript NM_000528.4 (MANE Select); coding-DNA position 1795, one base deleted (A; older notation c.1795delA).
Protein change: p.Arg599fs; shifts the reading frame from arginine 599.
Molecular consequence: frameshift variant.
Genome position (GRCh38, 1-based): chr19:12,655,729, T deleted on the plus strand (A on the coding strand, the reverse complement: MAN2B1 is on the minus strand); the first of 2 consecutive T bases (chr19:12,655,729-12,655,730); deleting either gives the same sequence. VCF-style (leftmost placement, unchanged base first): chr19-12655728-CT-C. GRCh37 (hg19) VCF-style: chr19-12766542-CT-C.
Other names: c.1792del, p.Arg598fs (NM_001173498.2); short protein forms R598fs, R599fs.
Identifiers: ClinVar variation 1725644 (VCV001725644.2), dbSNP rs2512497499, ClinGen allele CA2580096470.

ClinVar aggregate classification (germline): Likely pathogenic (1 of 4 stars; one submission).

Conditions:
Deficiency of alpha-mannosidase (MANSA). Also called: Mannosidosis, alpha-, types I and II; LYSOSOMAL ALPHA-D-MANNOSIDASE DEFICIENCY; Alpha-Mannosidosis. Identifiers: Orphanet 61, MedGen C0024748, MONDO:0009561, OMIM 248500.

Submission:

Myriad Genetics, Inc.
Classification: Likely pathogenic for Deficiency of alpha-mannosidase. Last evaluated: 2021-12-05. Review status: criteria provided, single submitter. Criteria: Myriad Women's Health Autosomal Recessive and X-Linked Classification Criteria (2021). Collection method: clinical testing. Allele origin: unknown.
Comment: NM_000528.3(MAN2B1):c.1795delA(R599Dfs*7) is expected to be pathogenic in the context of alpha-mannosidosis. This variant is predicted to lead to an abnormal or absent protein product due to the creation of a premature termination codon in MAN2B1, a gene where loss-of-function variants are known to be pathogenic. Please note: this variant was assessed in the context of healthy population screening.